The following is an entry in ClinVar:

ClinVar aggregate classification (germline): Uncertain significance. Review status: criteria provided, multiple submitters, no conflicts (2 of 4 stars). 2 submissions from 2 submitters: Uncertain significance (2). Last evaluated 2025-07-10.

Conditions:
Inborn genetic diseases. Identifiers: MedGen C0950123, MeSH D030342.

Allele frequency attached by ClinVar (database versions not stated): ExAC 0.00011; gnomAD exomes 0.00013; gnomAD 0.00005.
gnomAD v4.1: 186 of 1,613,200 alleles (0.012%); highest among the groups gnomAD compares: Non-Finnish European, 0.015%; 1 homozygote.

Submissions (2):

Labcorp Genetics (formerly Invitae), Labcorp
Classification: Uncertain significance. Last evaluated: 2025-07-10. Review status: criteria provided, single submitter. Criteria: Invitae Variant Classification Sherloc (09022015). Collection method: clinical testing. Allele origin: germline.
Comment: This sequence change replaces alanine, which is neutral and non-polar, with threonine, which is neutral and polar, at codon 73 of the LSS protein (p.Ala73Thr). This variant is present in population databases (rs572447104, gnomAD 0.02%). This variant has not been reported in the literature in individuals affected with LSS-related conditions. ClinVar contains an entry for this variant (Variation ID: 2593050). An algorithm developed to predict the effect of missense changes on protein structure and function (PolyPhen-2) suggests that this variant is likely to be tolerated. In summary, the available evidence is currently insufficient to determine the role of this variant in disease. Therefore, it has been classified as a Variant of Uncertain Significance.

Ambry Genetics
Classification: Uncertain significance for Inborn genetic diseases. Last evaluated: 2023-08-28. Review status: criteria provided, single submitter. Criteria: Ambry Variant Classification Scheme 2023. Collection method: clinical testing. Allele origin: germline.

NM_002340.6(LSS):c.217G>A (p.Ala73Thr)

Gene: LSS (lanosterol synthase; minus strand). Cytogenetic location: 21q22.3.
Variant type: single nucleotide variant.
Coding change: c.217G>A on transcript NM_002340.6 (MANE Select); coding-DNA position 217, G replaced by A.
Protein change: p.Ala73Thr; replaces alanine 73 with threonine.
Molecular consequence: missense variant. On other transcripts: 5 prime UTR variant (1).
Genome position (GRCh38, 1-based): chr21:46,227,654, C>T on the plus strand (G>A on the coding strand, the complement: LSS is on the minus strand). VCF-style: chr21-46227654-C-T. GRCh37 (hg19) VCF-style: chr21-47647568-C-T.
Other names: c.217G>A, p.Ala73Thr (NM_001001438.3, NM_001145436.2); c.-24G>A (NM_001145437.2); short protein forms A73T.
Identifiers: ClinVar variation 2593050 (VCV002593050.5), dbSNP rs572447104, ClinGen allele CA10075550.